The following is an entry in ClinVar:

NM_007055.4(POLR3A):c.1432-1G>A

Gene: POLR3A (RNA polymerase III subunit A; minus strand). Cytogenetic location: 10q22.3.
Variant type: single nucleotide variant.
Coding change: c.1432-1G>A on transcript NM_007055.4 (MANE Select); the canonical splice acceptor site of the intron before coding-DNA position 1432, G replaced by A.
Molecular consequence: splice acceptor variant.
Genome position (GRCh38, 1-based): chr10:78,013,791, C>T on the plus strand (G>A on the coding strand, the complement: POLR3A is on the minus strand). VCF-style: chr10-78013791-C-T. GRCh37 (hg19) VCF-style: chr10-79773549-C-T.
Identifiers: ClinVar variation 2805614 (VCV002805614.3), dbSNP rs2493225918, ClinGen allele CA377342305.

ClinVar aggregate classification (germline): Likely pathogenic (1 of 4 stars; one submission).

Allele frequency attached by ClinVar (database versions not stated): gnomAD exomes below 0.00001.
gnomAD v4.1: 3 of 1,614,146 alleles (0.00019%); highest among the groups gnomAD compares: South Asian, 0.0022%; no homozygotes.

Submission:

Labcorp Genetics (formerly Invitae), Labcorp
Classification: Likely pathogenic. Last evaluated: 2024-10-29. Review status: criteria provided, single submitter. Criteria: Invitae Variant Classification Sherloc (09022015). Collection method: clinical testing. Allele origin: germline.
Comment: This sequence change affects an acceptor splice site in intron 10 of the POLR3A gene. It is expected to disrupt RNA splicing. Variants that disrupt the donor or acceptor splice site typically lead to a loss of protein function (PMID: 16199547), and loss-of-function variants in POLR3A are known to be pathogenic (PMID: 21855841, 25339210, 27612211, 30414627, 30450527). This variant is not present in population databases (gnomAD no frequency). This variant has not been reported in the literature in individuals affected with POLR3A-related conditions. ClinVar contains an entry for this variant (Variation ID: 2805614). Algorithms developed to predict the effect of sequence changes on RNA splicing suggest that this variant may disrupt the consensus splice site. In summary, the currently available evidence indicates that the variant is pathogenic, but additional data are needed to prove that conclusively. Therefore, this variant has been classified as Likely Pathogenic.

Literature cited by the submitters: PubMed 16199547; PubMed 21855841; PubMed 25339210; PubMed 27612211; PubMed 30414627; PubMed 30450527.